The following is an entry in ClinVar:

NM_001365276.2(TNXB):c.3638T>C (p.Val1213Ala)

Gene: TNXB (tenascin XB; minus strand). Cytogenetic location: 6p21.33.
Variant type: single nucleotide variant.
Coding change: c.3638T>C on transcript NM_001365276.2 (MANE Select); coding-DNA position 3638, T replaced by C.
Protein change: p.Val1213Ala; replaces valine 1213 with alanine.
Molecular consequence: missense variant.
Genome position (GRCh38, 1-based): chr6:32,082,134, A>G on the plus strand (T>C on the coding strand, the complement: TNXB is on the minus strand). VCF-style: chr6-32082134-A-G. GRCh37 (hg19) VCF-style: chr6-32049911-A-G.
Other names: c.4379T>C, p.Val1460Ala (NM_001428335.1); c.3638T>C, p.Val1213Ala (NM_019105.8); short protein forms V1213A, V1460A.
Identifiers: ClinVar variation 3227268 (VCV003227268.1), dbSNP rs1582441689, ClinGen allele CA363436753.

ClinVar aggregate classification (germline): Uncertain significance (1 of 4 stars; one submission).

Conditions:
Cardiovascular phenotype. Identifiers: MedGen CN230736.

Submission:

Ambry Genetics
Classification: Uncertain significance for Cardiovascular phenotype. Last evaluated: 2024-01-03. Review status: criteria provided, single submitter. Criteria: Ambry Variant Classification Scheme 2023. Collection method: clinical testing. Allele origin: germline.
Comment: The p.V1213A variant (also known as c.3638T>C), located in coding exon 8 of the TNXB gene, results from a T to C substitution at nucleotide position 3638. The valine at codon 1213 is replaced by alanine, an amino acid with similar properties. This amino acid position is conserved. In addition, this alteration is predicted to be tolerated by in silico analysis. Since supporting evidence is limited at this time, the clinical significance of this alteration remains unclear.